The following is an entry in ClinVar:

NM_017636.4(TRPM4):c.3220G>A (p.Ala1074Thr)

Gene: TRPM4 (transient receptor potential cation channel subfamily M member 4; plus strand). Cytogenetic location: 19q13.33.
Variant type: single nucleotide variant.
Coding change: c.3220G>A on transcript NM_017636.4 (MANE Select); coding-DNA position 3220, G replaced by A.
Protein change: p.Ala1074Thr; replaces alanine 1074 with threonine.
Molecular consequence: missense variant.
Genome position (GRCh38, 1-based): chr19:49,210,297, G>A. VCF-style: chr19-49210297-G-A. GRCh37 (hg19) VCF-style: chr19-49713554-G-A.
Other names: c.2785G>A, p.Ala929Thr (NM_001195227.2); c.2875G>A, p.Ala959Thr (NM_001321281.2); c.1612G>A, p.Ala538Thr (NM_001321282.2); c.2698G>A, p.Ala900Thr (NM_001321283.2); c.2158G>A, p.Ala720Thr (NM_001321285.2); short protein forms A538T, A900T, A929T, A720T, A959T, A1074T.
Identifiers: ClinVar variation 4754295 (VCV004754295.1).

ClinVar aggregate classification (germline): Uncertain significance (1 of 4 stars; one submission).

Conditions:
Progressive familial heart block type IB (PFHB1B). Identifiers: Orphanet 871, MedGen C1970298, MONDO:0011474, OMIM 604559.

gnomAD v4.1: 7 of 1,614,210 alleles (0.00043%); highest among the groups gnomAD compares: Non-Finnish European, 0.00059%; no homozygotes.

Submission:

Labcorp Genetics (formerly Invitae), Labcorp
Classification: Uncertain significance for Progressive familial heart block type IB. Last evaluated: 2025-04-12. Review status: criteria provided, single submitter. Criteria: Invitae Variant Classification Sherloc (09022015). Collection method: clinical testing. Allele origin: germline.
Comment: This sequence change replaces alanine, which is neutral and non-polar, with threonine, which is neutral and polar, at codon 1074 of the TRPM4 protein (p.Ala1074Thr). This variant is not present in population databases (gnomAD no frequency). This variant has not been reported in the literature in individuals affected with TRPM4-related conditions. An algorithm developed to predict the effect of missense changes on protein structure and function outputs the following: PolyPhen-2: "Probably Damaging". The threonine amino acid residue is found in multiple mammalian species, which suggests that this missense change does not adversely affect protein function. In summary, the available evidence is currently insufficient to determine the role of this variant in disease. Therefore, it has been classified as a Variant of Uncertain Significance.